The following is an entry in ClinVar:

NM_004329.3(BMPR1A):c.64C>T (p.Gln22Ter)

Gene: BMPR1A (bone morphogenetic protein receptor type 1A; plus strand). Cytogenetic location: 10q23.2.
Variant type: single nucleotide variant.
Coding change: c.64C>T on transcript NM_004329.3 (MANE Select); coding-DNA position 64, C replaced by T.
Protein change: p.Gln22Ter; replaces glutamine 22 with a stop codon.
Molecular consequence: nonsense.
Genome position (GRCh38, 1-based): chr10:86,876,082, C>T. VCF-style: chr10-86876082-C-T. GRCh37 (hg19) VCF-style: chr10-88635839-C-T.
Other names: short protein forms Q22*.
Identifiers: ClinVar variation 452092 (VCV000452092.7), dbSNP rs1554886821, ClinGen allele CA377774871.

ClinVar aggregate classification (germline): Pathogenic. Review status: criteria provided, multiple submitters, no conflicts (2 of 4 stars). 3 submissions from 3 submitters: Pathogenic (3). Last evaluated 2025-12-08.

Conditions:
Juvenile polyposis syndrome (JPS). Identifiers: Orphanet 2929, MedGen C0345893, MONDO:0017380, OMIM 174900.
Hereditary cancer-predisposing syndrome. Also called: Tumor predisposition; Hereditary Cancer Syndrome; Neoplastic Syndromes, Hereditary; Hereditary neoplastic syndrome. Identifiers: Orphanet 140162, MedGen C0027672, MeSH D009386, MONDO:0015356.

Submissions (3):

Ambry Genetics
Classification: Pathogenic for Hereditary cancer-predisposing syndrome. Last evaluated: 2025-12-08. Review status: criteria provided, single submitter. Criteria: Ambry Variant Classification Scheme 2023. Collection method: clinical testing. Allele origin: germline.
Comment: The p.Q22* pathogenic mutation (also known as c.64C>T), located in coding exon 1 of the BMPR1A gene, results from a C to T substitution at nucleotide position 64. This changes the amino acid from a glutamine to a stop codon within coding exon 1. This variant is considered to be rare based on population cohorts in the Genome Aggregation Database (gnomAD). This alteration is expected to result in loss of function by premature protein truncation or nonsense-mediated mRNA decay. As such, this alteration is interpreted as a disease-causing mutation.

Myriad Genetics, Inc.
Classification: Pathogenic for Juvenile polyposis syndrome. Last evaluated: 2023-05-25. Review status: criteria provided, single submitter. Criteria: Myriad Autosomal Dominant, Autosomal Recessive and X-Linked Classification Criteria (2023). Collection method: clinical testing. Allele origin: unknown.
Comment: This variant is considered pathogenic. This variant creates a termination codon and is predicted to result in premature protein truncation.

GeneDx
Classification: Pathogenic. Last evaluated: 2017-09-19. Review status: criteria provided, single submitter. Criteria: GeneDx Variant Classification (06012015). Collection method: clinical testing. Allele origin: germline. Affected: yes.
Comment: This variant is denoted BMPR1A c.64C>T at the cDNA level and p.Gln22Ter (Q22X) at the protein level.The substitution creates a nonsense variant, which changes a Glutamine to a premature stop codon (CAA>TAA), andis predicted to cause loss of normal protein function through either protein truncation or nonsense-mediated mRNAdecay. Although this variant has not, to our knowledge, been reported in the literature, it is considered pathogenic